The following is an entry in ClinVar:

NM_024537.4(CARS2):c.1457_1473dup (p.Arg492fs)

Gene: CARS2 (cysteinyl-tRNA synthetase 2, mitochondrial; minus strand). Cytogenetic location: 13q34.
Variant type: Duplication.
Coding change: c.1457_1473dup on transcript NM_024537.4 (MANE Select); coding-DNA positions 1457 to 1473, 17 bases duplicated (TGGTGGACGAGCTGGTG).
Protein change: p.Arg492fs; shifts the reading frame from arginine 492.
Molecular consequence: frameshift variant. On other transcripts: non-coding transcript variant (2).
Genome position (GRCh38, 1-based): chr13:110,642,465-110,642,481, CACCAGCTCGTCCACCA duplicated on the plus strand (TGGTGGACGAGCTGGTG on the coding strand, the reverse complement: CARS2 is on the minus strand); duplicating any 17 consecutive bases within chr13:110,642,465-110,642,486 gives the same sequence; the c. name uses the placement nearest the transcript's 3' end. VCF-style (leftmost placement, unchanged base first): chr13-110642464-G-GCACCAGCTCGTCCACCA. GRCh37 (hg19) VCF-style: chr13-111294811-G-GCACCAGCTCGTCCACCA.
Other names: c.671_687dup, p.Arg230fs (NM_001352252.2); short protein forms R230fs, R492fs.
Identifiers: ClinVar variation 1418848 (VCV001418848.6), dbSNP rs2139667373, ClinGen allele CA2573149495.

ClinVar aggregate classification (germline): Uncertain significance (1 of 4 stars; one submission).

Conditions:
Combined oxidative phosphorylation defect type 27. Also called: Combined oxidative phosphorylation deficiency 27. Identifiers: Orphanet 477774, MedGen C5567608, MONDO:0014728, OMIM 616672.

Submission:

Labcorp Genetics (formerly Invitae), Labcorp
Classification: Uncertain significance for Combined oxidative phosphorylation defect type 27. Last evaluated: 2021-08-23. Review status: criteria provided, single submitter. Criteria: Invitae Variant Classification Sherloc (09022015). Collection method: clinical testing. Allele origin: germline.
Comment: This sequence change creates a premature translational stop signal (p.Arg492Trpfs*32) in the CARS2 gene. It is expected to result in an absent or disrupted protein product. However, the current clinical and genetic evidence is not sufficient to establish whether loss-of-function variants in CARS2 cause disease. This variant is not present in population databases (ExAC no frequency). This variant has not been reported in the literature in individuals affected with CARS2-related conditions. Algorithms developed to predict the effect of sequence changes on RNA splicing suggest that this variant may create or strengthen a splice site. In summary, the available evidence is currently insufficient to determine the role of this variant in disease. Therefore, it has been classified as a Variant of Uncertain Significance.